The following is an entry in ClinVar:

NM_001261826.3(AP3D1):c.761G>T (p.Arg254Leu)

Gene: AP3D1 (adaptor related protein complex 3 subunit delta 1; minus strand). Cytogenetic location: 19p13.3.
Variant type: single nucleotide variant.
Coding change: c.761G>T on transcript NM_001261826.3 (MANE Select); coding-DNA position 761, G replaced by T.
Protein change: p.Arg254Leu; replaces arginine 254 with leucine.
Molecular consequence: missense variant.
Genome position (GRCh38, 1-based): chr19:2,129,135, C>A on the plus strand (G>T on the coding strand, the complement: AP3D1 is on the minus strand). VCF-style: chr19-2129135-C-A. GRCh37 (hg19) VCF-style: chr19-2129134-C-A.
Other names: c.761G>T, p.Arg254Leu (NM_001374799.1, NM_003938.8); short protein forms R254L.
Identifiers: ClinVar variation 4719256 (VCV004719256.1).

ClinVar aggregate classification (germline): Uncertain significance (1 of 4 stars; one submission).

Submission:

Labcorp Genetics (formerly Invitae), Labcorp
Classification: Uncertain significance. Last evaluated: 2025-08-08. Review status: criteria provided, single submitter. Criteria: Invitae Variant Classification Sherloc (09022015). Collection method: clinical testing. Allele origin: germline.
Comment: This sequence change replaces arginine, which is basic and polar, with leucine, which is neutral and non-polar, at codon 254 of the AP3D1 protein (p.Arg254Leu). This variant is not present in population databases (gnomAD no frequency). This variant has not been reported in the literature in individuals affected with AP3D1-related conditions. An algorithm developed to predict the effect of missense changes on protein structure and function (PolyPhen-2) suggests that this variant is likely to be disruptive. In summary, the available evidence is currently insufficient to determine the role of this variant in disease. Therefore, it has been classified as a Variant of Uncertain Significance.